The following is an entry in ClinVar:

NM_000059.4(BRCA2):c.5302C>G (p.Leu1768Val)

Gene: BRCA2 (BRCA2 DNA repair associated; plus strand). Cytogenetic location: 13q13.1.
Variant type: single nucleotide variant.
Coding change: c.5302C>G on transcript NM_000059.4 (MANE Select); coding-DNA position 5302, C replaced by G.
Protein change: p.Leu1768Val; replaces leucine 1768 with valine.
Molecular consequence: missense variant. On other transcripts: intron variant (2), non-coding transcript variant (1).
Genome position (GRCh38, 1-based): chr13:32,339,657, C>G. VCF-style: chr13-32339657-C-G. GRCh37 (hg19) VCF-style: chr13-32913794-C-G.
Other names: c.1910-4901C>G (NM_001406721.1); c.425-4901C>G (NM_001406722.1); c.5302C>G, p.Leu1768Val (NM_001406719.1, NM_001406720.1, NM_001432077.1); short protein forms L1768V.
Identifiers: ClinVar variation 4537110 (VCV004537110.1).
Genomic context (GRCh38, chr13:32,339,657, plus strand): 5'-AGCTATTCCTACCATTCTGATGAGGTATATAATGATTCAGGATATCTCTCAAAAAATAAA[C>G]TTGATTCTGGTATTGAGCCAGTATTGAAGAATGTTGAAGATCAAAAAAACACTAGTTTTT-3'
Protein context (NP_000050.3, residues 1758-1778): NDSGYLSKNK[Leu1768Val]DSGIEPVLKN

ClinVar aggregate classification (germline): Uncertain significance (1 of 4 stars; one submission).

Submission:

Women's Health and Genetics/Laboratory Corporation of America, LabCorp
Classification: Uncertain significance. Last evaluated: 2025-11-04. Review status: criteria provided, single submitter. Criteria: LabCorp Variant Classification Summary - May 2015. Collection method: clinical testing. Allele origin: germline.
Comment: Variant summary: BRCA2 c.5302C>G (p.Leu1768Val) results in a conservative amino acid change in the encoded protein sequence. Algorithms developed to predict the effect of missense changes on protein structure and function all suggest that this variant is likely to be tolerated. The variant was absent in 250376 control chromosomes. The available data on variant occurrences in the general population are insufficient to allow any conclusion about variant significance. To our knowledge, no occurrence of c.5302C>G in individuals affected with BRCA2-related conditions and no experimental evidence demonstrating its impact on protein function have been reported. No submitters have cited clinical-significance assessments for this variant to ClinVar. Based on the evidence outlined above, the variant was classified as uncertain significance.